The following is an entry in ClinVar:

NM_000719.7(CACNA1C):c.4819C>T (p.Pro1607Ser)

Gene: CACNA1C (calcium voltage-gated channel subunit alpha1 C; plus strand). Cytogenetic location: 12p13.33.
Variant type: single nucleotide variant.
Coding change: c.4819C>T on transcript NM_000719.7 (MANE Select); coding-DNA position 4819, C replaced by T.
Protein change: p.Pro1607Ser; replaces proline 1607 with serine.
Molecular consequence: missense variant.
Genome position (GRCh38, 1-based): chr12:2,674,633, C>T. VCF-style: chr12-2674633-C-T. GRCh37 (hg19) VCF-style: chr12-2783799-C-T.
Other names: c.4963C>T, p.Pro1655Ser (NM_001129827.2, NM_199460.4); c.4942C>T, p.Pro1648Ser (NM_001129829.2); c.4819C>T, p.Pro1607Ser (NM_001129830.3, NM_001129840.2, NM_001129841.2 and 4 more transcripts); c.4903C>T, p.Pro1635Ser (NM_001129831.2); c.4879C>T, p.Pro1627Ser (NM_001129832.2); c.4876C>T, p.Pro1626Ser (NM_001129833.2, NM_001129834.2, NM_001129835.2); c.4870C>T, p.Pro1624Ser (NM_001129836.2); c.4843C>T, p.Pro1615Ser (NM_001129837.2, NM_001129838.2); and 3 more; short protein forms P1613S, P1615S, P1624S, P1626S, P1635S, P1655S, P1607S, P1627S.
Identifiers: ClinVar variation 656037 (VCV000656037.11), dbSNP rs745938574, ClinGen allele CA6389615.

ClinVar aggregate classification (germline): Uncertain significance. Review status: criteria provided, multiple submitters, no conflicts (2 of 4 stars). 3 submissions from 3 submitters: Uncertain significance (3). Last evaluated 2025-01-29.

Conditions:
Long QT syndrome (LQTS). Identifiers: MedGen C0023976, MeSH D008133, MONDO:0002442. Disease mechanism: loss of function. Inheritance: Various modes of inheritance.
Cardiovascular phenotype. Identifiers: MedGen CN230736.

Allele frequency attached by ClinVar (database versions not stated): TOPMed below 0.00001; gnomAD 0.00001; gnomAD exomes 0.00001 and 0.00003; ExAC 0.00004.
gnomAD v4.1: 18 of 1,565,062 alleles (0.0012%); highest among the groups gnomAD compares: Non-Finnish European, 0.0016%; no homozygotes.

Submissions (3):

Labcorp Genetics (formerly Invitae), Labcorp
Classification: Uncertain significance for Long QT syndrome. Last evaluated: 2025-01-29. Review status: criteria provided, single submitter. Criteria: Invitae Variant Classification Sherloc (09022015). Collection method: clinical testing. Allele origin: germline.
Comment: This sequence change replaces proline, which is neutral and non-polar, with serine, which is neutral and polar, at codon 1607 of the CACNA1C protein (p.Pro1607Ser). This variant is present in population databases (rs745938574, gnomAD 0.003%). This missense change has been observed in individual(s) with long QT syndrome (PMID: 23631430). ClinVar contains an entry for this variant (Variation ID: 656037). Invitae Evidence Modeling of protein sequence and biophysical properties (such as structural, functional, and spatial information, amino acid conservation, physicochemical variation, residue mobility, and thermodynamic stability) indicates that this missense variant is expected to disrupt CACNA1C protein function with a positive predictive value of 95%. In summary, the available evidence is currently insufficient to determine the role of this variant in disease. Therefore, it has been classified as a Variant of Uncertain Significance.

Ambry Genetics
Classification: Uncertain significance for Cardiovascular phenotype. Last evaluated: 2025-01-08. Review status: criteria provided, single submitter. Criteria: Ambry Variant Classification Scheme 2023. Collection method: clinical testing. Allele origin: germline.
Comment: The p.P1607S variant (also known as c.4819C>T), located in coding exon 39 of the CACNA1C gene, results from a C to T substitution at nucleotide position 4819. The proline at codon 1607 is replaced by serine, an amino acid with similar properties. This variant was reported in individual(s) with features consistent with long QT syndrome (Lieve KV et al. Genet Test Mol Biomarkers, 2013 Jul;17:553-61; Gibbs C et al. J Am Heart Assoc, 2018 Aug;7:e009706). This amino acid position is highly conserved in available vertebrate species. In addition, this alteration is predicted to be deleterious by in silico analysis. Based on the available evidence, the clinical significance of this variant remains unclear.

Blueprint Genetics
Classification: Uncertain significance. Last evaluated: 2024-06-10. Review status: criteria provided, single submitter. Criteria: ACMG Guidelines, 2015. Collection method: clinical testing. Allele origin: germline.

Literature cited by the submitters: PubMed 23631430 (cited by Labcorp Genetics (formerly Invitae), Labcorp and Ambry Genetics); PubMed 30369311 (cited by Ambry Genetics).